The following is an entry in ClinVar:

ClinVar aggregate classification (germline): Uncertain significance. Review status: criteria provided, multiple submitters, no conflicts (2 of 4 stars). 7 submissions from 3 submitters: Uncertain significance (7). Last evaluated 2026-05-30.

Conditions:
Autosomal recessive limb-girdle muscular dystrophy type 2J (LGMDR10). Also called: Limb-girdle muscular dystrophy, type 2J; MUSCULAR DYSTROPHY, LIMB-GIRDLE, AUTOSOMAL RECESSIVE 10. Identifiers: Orphanet 140922, MedGen C1837342, MONDO:0012127, OMIM 608807.
Early-onset myopathy with fatal cardiomyopathy (CMYO5). Also called: CONGENITAL MYOPATHY 5 WITH CARDIOMYOPATHY; Salih Myopathy. Identifiers: Orphanet 289377, MedGen C2673677, MONDO:0012714, OMIM 611705. Disease mechanism: loss of function.
Dilated cardiomyopathy 1G (CMD1G). Identifiers: Orphanet 154, MedGen C1858763, MONDO:0011400, OMIM 604145.
Myopathy, myofibrillar, 9, with early respiratory failure (MFM9). Also called: EDSTROM MYOPATHY; MYOPATHY, PROXIMAL, WITH EARLY RESPIRATORY MUSCLE INVOLVEMENT; Myopathy, distal, with early respiratory failure, autosomal dominant; Hereditary myopathy with early respiratory failure. Identifiers: Orphanet 178464, Orphanet 34521, MedGen C1863599, MONDO:0011362, OMIM 603689.
Tibial muscular dystrophy (TMD). Also called: Tibial muscular dystrophy, tardive; UDD MYOPATHY; Udd Distal Myopathy – Tibial Muscular Dystrophy. Identifiers: Orphanet 609, MedGen C1838244, MONDO:0010870, OMIM 600334.

Allele frequency attached by ClinVar (database versions not stated): gnomAD exomes below 0.00001.
gnomAD v4.1: 1 of 1,613,490 alleles (0.000062%); highest among the groups gnomAD compares: Non-Finnish European, 0.000085%; no homozygotes.

Submissions (7):

Women's Health and Genetics/Laboratory Corporation of America, LabCorp
Classification: Uncertain significance. Last evaluated: 2026-05-30. Review status: criteria provided, single submitter. Criteria: LabCorp Variant Classification Summary - May 2015. Collection method: clinical testing. Allele origin: germline.

GeneDx
Classification: Uncertain significance. Last evaluated: 2019-05-28. Review status: criteria provided, single submitter. Criteria: GeneDx Variant Classification Process June 2021. Collection method: clinical testing. Allele origin: germline. Affected: yes.
Comment: Not observed in large population cohorts (Lek et al., 2016); Missense variant in a gene in which most reported pathogenic variants are truncating/loss-of-function; Has not been previously published as pathogenic or benign to our knowledge

Illumina Laboratory Services, Illumina
Classification: Uncertain significance for Myopathy, myofibrillar, 9, with early respiratory failure. Last evaluated: 2018-01-13. Review status: criteria provided, single submitter. Criteria: ICSL Variant Classification Criteria 13 December 2019. Collection method: clinical testing. Allele origin: germline.

Illumina Laboratory Services, Illumina
Classification: Uncertain significance for Tibial muscular dystrophy. Last evaluated: 2018-01-13. Review status: criteria provided, single submitter. Criteria: ICSL Variant Classification Criteria 13 December 2019. Collection method: clinical testing. Allele origin: germline.

Illumina Laboratory Services, Illumina
Classification: Uncertain significance for Autosomal recessive limb-girdle muscular dystrophy type 2J. Last evaluated: 2018-01-13. Review status: criteria provided, single submitter. Criteria: ICSL Variant Classification Criteria 13 December 2019. Collection method: clinical testing. Allele origin: germline.

Illumina Laboratory Services, Illumina
Classification: Uncertain significance for Dilated cardiomyopathy 1G. Last evaluated: 2018-01-13. Review status: criteria provided, single submitter. Criteria: ICSL Variant Classification Criteria 13 December 2019. Collection method: clinical testing. Allele origin: germline.

Illumina Laboratory Services, Illumina
Classification: Uncertain significance for Early-onset myopathy with fatal cardiomyopathy. Last evaluated: 2018-01-13. Review status: criteria provided, single submitter. Criteria: ICSL Variant Classification Criteria 13 December 2019. Collection method: clinical testing. Allele origin: germline.

NM_001267550.2(TTN):c.18364T>C (p.Ser6122Pro)

Genes: TTN (titin; minus strand), LOC126806430 (BRD4-independent group 4 enhancer GRCh37_chr2:179593794-179594993; plus strand). Cytogenetic location: 2q31.2.
Variant type: single nucleotide variant.
Coding change: c.18364T>C on transcript NM_001267550.2 (MANE Select); coding-DNA position 18364, T replaced by C.
Protein change: p.Ser6122Pro; replaces serine 6122 with proline.
Molecular consequence: missense variant. On other transcripts: intron variant (3).
Genome position (GRCh38, 1-based): chr2:178,729,889, A>G on the plus strand (T>C on the coding strand, the complement: TTN is on the minus strand). VCF-style: chr2-178729889-A-G. GRCh37 (hg19) VCF-style: chr2-179594616-A-G.
Other names: c.17413T>C, p.Ser5805Pro (NM_001256850.1); c.14632T>C, p.Ser4878Pro (NM_133378.4); c.13282+8193T>C (NM_003319.4); c.13858+8193T>C (NM_133437.4); c.13657+8193T>C (NM_133432.3); short protein forms S6122P, S5805P, S4878P.
Identifiers: ClinVar variation 893186 (VCV000893186.6), dbSNP rs2080087332, ClinGen allele CA349562957.
Genomic context (GRCh38, chr2:178,729,889, plus strand): 5'-CTAGATACCAAGACACTCGGATTTTAGGAGTGCCTGTTATTTGGCATTCAAATGTTGTTG[A>G]CTGTCCATTCCTCAGCACTAAGACTGGACTGGGCTTCTTAATGAATTGAGGAGGTTCTAA-3'
Protein context (NP_001254479.2, residues 6112-6132): SPVLVLRNGQ[Ser6122Pro]TTFECQITGT